The following is an entry in ClinVar:

ClinVar aggregate classification (germline): Uncertain significance (1 of 4 stars; one submission).

Conditions:
COG5-congenital disorder of glycosylation. Also called: CDG IIi; CONGENITAL DISORDER OF GLYCOSYLATION, TYPE IIi; COG5-CDG. Identifiers: Orphanet 263487, MedGen C3150876, MONDO:0013325, OMIM 613612.

Submission:

Labcorp Genetics (formerly Invitae), Labcorp
Classification: Uncertain significance for COG5-congenital disorder of glycosylation. Last evaluated: 2023-11-27. Review status: criteria provided, single submitter. Criteria: Invitae Variant Classification Sherloc (09022015). Collection method: clinical testing. Allele origin: germline.
Comment: This sequence change replaces methionine, which is neutral and non-polar, with threonine, which is neutral and polar, at codon 32 of the COG5 protein (p.Met32Thr). This variant is present in population databases (no rsID available, gnomAD 0.006%). This variant has not been reported in the literature in individuals affected with COG5-related conditions. ClinVar contains an entry for this variant (Variation ID: 1469183). An algorithm developed to predict the effect of missense changes on protein structure and function (PolyPhen-2) suggests that this variant is likely to be tolerated. This variant disrupts the p.Met32 amino acid residue in COG5. Other variant(s) that disrupt this residue have been determined to be pathogenic (PMID: 23228021, 33277529). This suggests that this residue is clinically significant, and that variants that disrupt this residue are likely to be disease-causing. In summary, the available evidence is currently insufficient to determine the role of this variant in disease. Therefore, it has been classified as a Variant of Uncertain Significance.

Literature cited by the submitters: PubMed 23228021; PubMed 33277529.

NM_006348.5(COG5):c.2T>C (p.Met1Thr)

Gene: COG5 (component of oligomeric golgi complex 5; minus strand). Cytogenetic location: 7q22.3.
Variant type: single nucleotide variant.
Coding change: c.2T>C on transcript NM_006348.5 (MANE Select); coding-DNA position 2, T replaced by C.
Protein change: p.Met1Thr; changes the start codon (methionine 1).
Molecular consequence: missense variant, initiator codon variant.
Genome position (GRCh38, 1-based): chr7:107,563,895, A>G on the plus strand (T>C on the coding strand, the complement: COG5 is on the minus strand). VCF-style: chr7-107563895-A-G. GRCh37 (hg19) VCF-style: chr7-107204340-A-G.
Other names: c.2T>C, p.Met1Thr (NM_001161520.2, NM_001379511.1, NM_001379512.1 and 5 more transcripts); short protein forms M1T.
Identifiers: ClinVar variation 1469183 (VCV001469183.6), dbSNP rs375702393, ClinGen allele CA368826569.